The following is an entry in ClinVar:

NM_199340.5(LRRC37A3):c.-537A>G

Gene: LRRC37A3 (leucine rich repeat containing 37 member A3). Cytogenetic location: 17q24.1.
Variant type: single nucleotide variant.
Coding change: c.-537A>G on transcript NM_199340.5 (MANE Select); 537 bases upstream of the start codon, A replaced by G.
Molecular consequence: 5 prime UTR variant. On other transcripts: synonymous variant (1).
Genome position (GRCh38, 1-based): chr17:64,918,791, T>C on the plus strand (A>G on the coding strand, the complement: LRRC37A3 is on the minus strand). VCF-style: chr17-64918791-T-C. GRCh37 (hg19) VCF-style: chr17-62914909-T-C.
Other names: c.75A>G, p.Gln25= (NM_001303255.3).
Identifiers: ClinVar variation 2648105 (VCV002648105.24), dbSNP rs1019661952, ClinGen allele CA293416003.

ClinVar aggregate classification (germline): Likely benign (1 of 4 stars; one submission).

Allele frequency attached by ClinVar (database versions not stated): gnomAD exomes 0.00002; TOPMed 0.00003; gnomAD 0.00006.

Submission:

CeGaT Center for Human Genetics Tuebingen
Classification: Likely benign. Last evaluated: 2022-04-01. Review status: criteria provided, single submitter. Criteria: CeGaT Center For Human Genetics Tuebingen Variant Classification Criteria Version 2. Collection method: clinical testing. Allele origin: germline. Affected: yes. Observed: 1 variant allele.
Comment: LRRC37A3: BP4